The following is an entry in ClinVar:

NM_001382391.1(CSPP1):c.2017C>A (p.His673Asn)

Gene: CSPP1 (centrosome and spindle pole associated protein 1; plus strand). Cytogenetic location: 8q13.2.
Variant type: single nucleotide variant.
Coding change: c.2017C>A on transcript NM_001382391.1 (MANE Select); coding-DNA position 2017, C replaced by A.
Protein change: p.His673Asn; replaces histidine 673 with asparagine.
Molecular consequence: missense variant. On other transcripts: intron variant (3).
Genome position (GRCh38, 1-based): chr8:67,149,824, C>A. VCF-style: chr8-67149824-C-A. GRCh37 (hg19) VCF-style: chr8-68062059-C-A.
Other names: c.1936C>A, p.His646Asn (NM_001363131.2); c.2083C>A, p.His695Asn (NM_001364869.1); c.1903C>A, p.His635Asn (NM_001364870.1); c.2002C>A, p.His668Asn (NM_024790.7); c.1934-4200C>A (NM_001363132.2); c.1853-4200C>A (NM_001363133.2); c.1079-4200C>A (NM_001291339.2); short protein forms H668N, H635N, H646N, H695N, H673N.
Identifiers: ClinVar variation 423912 (VCV000423912.2), dbSNP rs1064796696, ClinGen allele CA16618688.

ClinVar aggregate classification (germline): Uncertain significance (1 of 4 stars; one submission).

Submission:

GeneDx
Classification: Uncertain significance. Last evaluated: 2017-03-02. Review status: criteria provided, single submitter. Criteria: GeneDx Variant Classification (06012015). Collection method: clinical testing. Allele origin: germline. Affected: yes.
Comment: A variant of uncertain significance has been identified in the CSPP1 gene. The H668N variant has not been published as a pathogenic variant, nor has it been reported as a benign variant to our knowledge. The H668N variant is not observed in large population cohorts (Lek et al., 2016; 1000 Genomes Consortium et al., 2015; Exome Variant Server). The H668N variant is a semi-conservative amino acid substitution, which may impact secondary protein structure as these residues differ in some properties. This substitution occurs at a position where amino acids with similar properties to Histidine are tolerated across species. In silico analysis is inconsistent in its predictions as to whether or not the variant is damaging to the protein structure/function. Based on the currently available information, it is unclear whether this variant is a pathogenic variant or a rare benign variant.